The following is an entry in ClinVar:

ClinVar aggregate classification (germline): Benign/Likely benign. Review status: criteria provided, multiple submitters, no conflicts (2 of 4 stars). 2 submissions from 2 submitters: Benign (1); Likely benign (1). Last evaluated 2023-03-01.

Conditions:
Papillary renal cell carcinoma type 1 (RCCP1). Also called: RENAL CELL CARCINOMA, PAPILLARY, 1, SOMATIC; Renal adenocarcinoma; Renal cell carcinoma 1; Renal cell carcinoma, somatic. Identifiers: Orphanet 47044, MedGen C1336839, OMIM 605074, HP:0011797.

Allele frequency attached by ClinVar (database versions not stated): gnomAD exomes 0.00687; 1000 Genomes Project 0.00120; 1000 Genomes Project 30x 0.00141; TOPMed 0.00462; gnomAD 0.00498 and 0.00515.
gnomAD v4.1: 1,061 of 196,236 alleles (0.54%); highest among the groups gnomAD compares: Non-Finnish European, 0.83%; 6 homozygotes.

Submissions (2):

CeGaT Center for Human Genetics Tuebingen
Classification: Likely benign. Last evaluated: 2023-03-01. Review status: criteria provided, single submitter. Criteria: CeGaT Center For Human Genetics Tuebingen Variant Classification Criteria Version 2. Collection method: clinical testing. Allele origin: germline. Affected: yes. Observed: 6 variant alleles.
Comment: MET: BS2

Illumina Laboratory Services, Illumina
Classification: Benign for Papillary renal cell carcinoma type 1. Last evaluated: 2018-01-13. Review status: criteria provided, single submitter. Criteria: ICSL Variant Classification Criteria 13 December 2019. Collection method: clinical testing. Allele origin: germline.
Comment: This variant was observed in the ICSL laboratory as part of a predisposition screen in an ostensibly healthy population. It had not been previously curated by ICSL or reported in the Human Gene Mutation Database (HGMD: prior to June 1st, 2018), and was therefore a candidate for classification through an automated scoring system. Utilizing variant allele frequency, disease prevalence and penetrance estimates, and inheritance mode, an automated score was calculated to assess if this variant is too frequent to cause the disease. Based on the score and internal cut-off values, a variant classified as benign is not then subjected to further curation. The score for this variant resulted in a classification of benign for this disease.

NM_000245.4(MET):c.*2202G>A

Gene: MET (MET proto-oncogene, receptor tyrosine kinase; plus strand). Cytogenetic location: 7q31.2.
Variant type: single nucleotide variant.
Coding change: c.*2202G>A on transcript NM_000245.4 (MANE Select); 2202 bases downstream of the stop codon, G replaced by A.
Molecular consequence: 3 prime UTR variant.
Genome position (GRCh38, 1-based): chr7:116,798,326, G>A. VCF-style: chr7-116798326-G-A. GRCh37 (hg19) VCF-style: chr7-116438380-G-A.
Other names: c.*2202G>A (LRG_662t1, NM_001127500.3, NM_001324402.2).
Identifiers: ClinVar variation 358729 (VCV000358729.29), dbSNP rs14456, ClinGen allele CA10628130.